The following is an entry in ClinVar:

NM_001042681.2(RERE):c.1298C>A (p.Thr433Asn)

Gene: RERE (arginine-glutamic acid dipeptide repeats; minus strand). Cytogenetic location: 1p36.23.
Variant type: single nucleotide variant.
Coding change: c.1298C>A on transcript NM_001042681.2 (MANE Select); coding-DNA position 1298, C replaced by A.
Protein change: p.Thr433Asn; replaces threonine 433 with asparagine.
Molecular consequence: missense variant. On other transcripts: 5 prime UTR variant (1).
Genome position (GRCh38, 1-based): chr1:8,365,961, G>T on the plus strand (C>A on the coding strand, the complement: RERE is on the minus strand). VCF-style: chr1-8365961-G-T. GRCh37 (hg19) VCF-style: chr1-8426021-G-T.
Other names: c.-365C>A (NM_001042682.2); c.1298C>A, p.Thr433Asn (NM_012102.4); short protein forms T433N.
Identifiers: ClinVar variation 3633461 (VCV003633461.2).

ClinVar aggregate classification (germline): Uncertain significance (1 of 4 stars; one submission).

Submission:

Labcorp Genetics (formerly Invitae), Labcorp
Classification: Uncertain significance. Last evaluated: 2024-08-05. Review status: criteria provided, single submitter. Criteria: Invitae Variant Classification Sherloc (09022015). Collection method: clinical testing. Allele origin: germline.
Comment: This sequence change replaces threonine, which is neutral and polar, with asparagine, which is neutral and polar, at codon 433 of the RERE protein (p.Thr433Asn). This variant is not present in population databases (gnomAD no frequency). This variant has not been reported in the literature in individuals affected with RERE-related conditions. Advanced modeling of protein sequence and biophysical properties (such as structural, functional, and spatial information, amino acid conservation, physicochemical variation, residue mobility, and thermodynamic stability) performed at Invitae indicates that this missense variant is not expected to disrupt RERE protein function with a negative predictive value of 95%. In summary, the available evidence is currently insufficient to determine the role of this variant in disease. Therefore, it has been classified as a Variant of Uncertain Significance.